The following is an entry in ClinVar:

NM_003060.4(SLC22A5):c.41G>A (p.Trp14Ter)

Gene: SLC22A5 (solute carrier family 22 member 5; plus strand). Cytogenetic location: 5q31.1.
Variant type: single nucleotide variant.
Coding change: c.41G>A on transcript NM_003060.4 (MANE Select); coding-DNA position 41, G replaced by A.
Protein change: p.Trp14Ter; replaces tryptophan 14 with a stop codon.
Molecular consequence: nonsense.
Genome position (GRCh38, 1-based): chr5:132,370,013, G>A. VCF-style: chr5-132370013-G-A. GRCh37 (hg19) VCF-style: chr5-131705705-G-A.
Other names: c.41G>A, p.Trp14Ter (NM_001308122.2); short protein forms W14*.
Identifiers: ClinVar variation 3677039 (VCV003677039.2).
Genomic context (GRCh38, chr5:132,370,013, plus strand): 5'-TGTGGGCCTCTGAGGGCGGCATGCGGGACTACGACGAGGTGACCGCCTTCCTGGGCGAGT[G>A]GGGGCCCTTCCAGCGCCTCATCTTCTTCCTGCTCAGCGCCAGCATCATCCCCAATGGCTT-3'

ClinVar aggregate classification (germline): Pathogenic (1 of 4 stars; one submission).

Conditions:
Renal carnitine transport defect (CDSP). Also called: CARNITINE DEFICIENCY, SYSTEMIC, DUE TO DEFECT IN RENAL REABSORPTION OF CARNITINE; CARNITINE TRANSPORTER, PLASMA-MEMBRANE, DEFICIENCY OF; CARNITINE UPTAKE DEFECT; Systemic primary carnitine deficiency disease; Primary carnitine deficiency; Systemic primary carnitine deficiency. Identifiers: Orphanet 158, MedGen C0342788, MONDO:0008919, OMIM 212140.

Submission:

Labcorp Genetics (formerly Invitae), Labcorp
Classification: Pathogenic for Renal carnitine transport defect. Last evaluated: 2024-10-17. Review status: criteria provided, single submitter. Criteria: Invitae Variant Classification Sherloc (09022015). Collection method: clinical testing. Allele origin: germline.
Comment: This sequence change creates a premature translational stop signal (p.Trp14*) in the SLC22A5 gene. It is expected to result in an absent or disrupted protein product. Loss-of-function variants in SLC22A5 are known to be pathogenic (PMID: 9916797). This variant is not present in population databases (gnomAD no frequency). This premature translational stop signal has been observed in individual(s) with primary carnitine deficiency (PMID: 34032155). For these reasons, this variant has been classified as Pathogenic.

Literature cited by the submitters: PubMed 9916797; PubMed 34032155.